The following is an entry in ClinVar:

NM_001370298.3(FGD4):c.1082G>A (p.Arg361Gln)

Gene: FGD4 (FYVE, RhoGEF and PH domain containing 4; plus strand). Cytogenetic location: 12p11.21.
Variant type: single nucleotide variant.
Coding change: c.1082G>A on transcript NM_001370298.3 (MANE Select); coding-DNA position 1082, G replaced by A.
Protein change: p.Arg361Gln; replaces arginine 361 with glutamine.
Molecular consequence: missense variant. On other transcripts: 5 prime UTR variant (2).
Genome position (GRCh38, 1-based): chr12:32,598,567, G>A. VCF-style: chr12-32598567-G-A. GRCh37 (hg19) VCF-style: chr12-32751501-G-A.
Other names: c.926G>A, p.Arg309Gln (NM_001304481.2); c.-174G>A (NM_001304483.2); c.-481G>A (NM_001304484.2); c.392G>A, p.Arg131Gln (NM_001330373.2, NM_001330374.2, NM_001384130.1); c.119G>A, p.Arg40Gln (NM_001370297.1); c.1082G>A, p.Arg361Gln (NM_001384126.1); c.671G>A, p.Arg224Gln (NM_001384127.1, NM_001384128.1, NM_001385118.1 and 1 more transcripts); c.671G>A (NM_139241.2); short protein forms R131Q, R224Q, R309Q, R40Q, R361Q.
Identifiers: ClinVar variation 642098 (VCV000642098.9), dbSNP rs903824731, ClinGen allele CA235204139.

ClinVar aggregate classification (germline): Uncertain significance. Review status: criteria provided, multiple submitters, no conflicts (2 of 4 stars). 2 submissions from 2 submitters: Uncertain significance (2). Last evaluated 2025-08-05.

Conditions:
Charcot-Marie-Tooth disease type 4. Also called: Charcot-Marie-Tooth disease, type IV; Charcot-Marie-Tooth, Type 4. Identifiers: Orphanet 64749, MedGen C4082197, MONDO:0018995.
Inborn genetic diseases. Identifiers: MedGen C0950123, MeSH D030342.

Allele frequency attached by ClinVar (database versions not stated): TOPMed 0.00001.
gnomAD v4.1: 5 of 1,613,474 alleles (0.00031%); highest among the groups gnomAD compares: Non-Finnish European, 0.00042%; no homozygotes.

Submissions (2):

Ambry Genetics
Classification: Uncertain significance for Inborn genetic diseases. Last evaluated: 2025-08-05. Review status: criteria provided, single submitter. Criteria: Ambry Variant Classification Scheme 2023. Collection method: clinical testing. Allele origin: germline.

Labcorp Genetics (formerly Invitae), Labcorp
Classification: Uncertain significance for Charcot-Marie-Tooth disease type 4. Last evaluated: 2024-03-04. Review status: criteria provided, single submitter. Criteria: Invitae Variant Classification Sherloc (09022015). Collection method: clinical testing. Allele origin: germline.
Comment: This sequence change replaces arginine, which is basic and polar, with glutamine, which is neutral and polar, at codon 224 of the FGD4 protein (p.Arg224Gln). This variant is not present in population databases (gnomAD no frequency). This variant has not been reported in the literature in individuals affected with FGD4-related conditions. ClinVar contains an entry for this variant (Variation ID: 642098). Advanced modeling of protein sequence and biophysical properties (such as structural, functional, and spatial information, amino acid conservation, physicochemical variation, residue mobility, and thermodynamic stability) has been performed at Invitae for this missense variant, however the output from this modeling did not meet the statistical confidence thresholds required to predict the impact of this variant on FGD4 protein function. In summary, the available evidence is currently insufficient to determine the role of this variant in disease. Therefore, it has been classified as a Variant of Uncertain Significance.